The following is an entry in ClinVar:

ClinVar aggregate classification (germline): Uncertain significance (1 of 4 stars; one submission).

Conditions:
Neurofibromatosis, type 1 (NF1). Also called: Neurofibromatosis, type I; VON RECKLINGHAUSEN DISEASE; Peripheral type neurofibromatosis; NEUROFIBROMATOSIS, TYPE I, SOMATIC. Identifiers: Orphanet 636, MedGen C0027831, MONDO:0018975, OMIM 162200. Disease mechanism: loss of function.

Allele frequency attached by ClinVar (database versions not stated): gnomAD exomes below 0.00001.

Submission:

Labcorp Genetics (formerly Invitae), Labcorp
Classification: Uncertain significance for Neurofibromatosis, type 1. Last evaluated: 2021-04-19. Review status: criteria provided, single submitter. Criteria: Invitae Variant Classification Sherloc (09022015). Collection method: clinical testing. Allele origin: germline.
Comment: This sequence change replaces histidine with asparagine at codon 4 of the NF1 protein (p.His4Asn). The histidine residue is weakly conserved and there is a small physicochemical difference between histidine and asparagine. In summary, the available evidence is currently insufficient to determine the role of this variant in disease. Therefore, it has been classified as a Variant of Uncertain Significance. Algorithms developed to predict the effect of missense changes on protein structure and function (SIFT, PolyPhen-2, Align-GVGD) all suggest that this variant is likely to be tolerated, but these predictions have not been confirmed by published functional studies and their clinical significance is uncertain. This variant has not been reported in the literature in individuals with NF1-related conditions. The frequency data for this variant in the population databases is considered unreliable, as metrics indicate insufficient coverage at this position in the ExAC database.

NM_001042492.3(NF1):c.10C>A (p.His4Asn)

Genes: MIR4733HG (MIR4733 host gene; minus strand), NF1 (neurofibromin 1; plus strand), LOC111811965 (NF1 (neurofibromin 1) promoter region; plus strand). Cytogenetic location: 17q11.2.
Variant type: single nucleotide variant.
Coding change: c.10C>A on transcript NM_001042492.3 (MANE Select); coding-DNA position 10, C replaced by A.
Protein change: p.His4Asn; replaces histidine 4 with asparagine.
Molecular consequence: missense variant. On other transcripts: non-coding transcript variant (1).
Genome position (GRCh38, 1-based): chr17:31,095,319, C>A. VCF-style: chr17-31095319-C-A. GRCh37 (hg19) VCF-style: chr17-29422337-C-A.
Other names: c.10C>A, p.His4Asn (NM_000267.4, NM_001128147.3); short protein forms H4N.
Identifiers: ClinVar variation 851752 (VCV000851752.7), dbSNP rs1911551060, ClinGen allele CA398979184.
Genomic context (GRCh38, chr17:31,095,319, plus strand): 5'-CAGGGCGCCGGCCCACCCTTCCCTCCGCCGCCCCCCGGCCGCGGGGAGGACATGGCCGCG[C>A]ACAGGCCGGTGGAATGGGTCCAGGCCGTGGTCAGCCGCTTCGACGAGCAGGTAACCGGCC-3'
Protein context (NP_001035957.1, residues 1-14): MAA[His4Asn]RPVEWVQAVV